The following is an entry in ClinVar:

ClinVar aggregate classification (germline): Uncertain significance. Review status: criteria provided, multiple submitters, no conflicts (2 of 4 stars). 2 submissions from 2 submitters: Uncertain significance (2). Last evaluated 2025-11-05.

Conditions:
Hereditary cancer-predisposing syndrome. Also called: Hereditary Cancer Syndrome; Hereditary neoplastic syndrome; Tumor predisposition; Neoplastic Syndromes, Hereditary. Identifiers: Orphanet 140162, MedGen C0027672, MeSH D009386, MONDO:0015356.
Cardiovascular phenotype. Identifiers: MedGen CN230736.

gnomAD v4.1: 4 of 1,554,704 alleles (0.00026%); highest among the groups gnomAD compares: Non-Finnish European, 0.00026%; no homozygotes.

Submissions (2):

Labcorp Genetics (formerly Invitae), Labcorp
Classification: Uncertain significance. Last evaluated: 2025-11-05. Review status: criteria provided, single submitter. Criteria: Invitae Variant Classification Sherloc (09022015). Collection method: clinical testing. Allele origin: germline.
Comment: This sequence change replaces tyrosine, which is neutral and polar, with cysteine, which is neutral and slightly polar, at codon 314 of the LZTR1 protein (p.Tyr314Cys). This variant is not present in population databases (gnomAD no frequency). This variant has not been reported in the literature in individuals affected with LZTR1-related conditions. ClinVar contains an entry for this variant (Variation ID: 3541526). Invitae Evidence Modeling of protein sequence and biophysical properties (such as structural, functional, and spatial information, amino acid conservation, physicochemical variation, residue mobility, and thermodynamic stability) indicates that this missense variant is not expected to disrupt LZTR1 protein function with a negative predictive value of 80%. In summary, the available evidence is currently insufficient to determine the role of this variant in disease. Therefore, it has been classified as a Variant of Uncertain Significance.

Ambry Genetics
Classification: Uncertain significance for Cardiovascular phenotype; Hereditary cancer-predisposing syndrome. Last evaluated: 2024-07-25. Review status: criteria provided, single submitter. Criteria: Ambry Variant Classification Scheme 2023. Collection method: clinical testing. Allele origin: germline.
Comment: The p.Y314C variant (also known as c.941A>G), located in coding exon 9 of the LZTR1 gene, results from an A to G substitution at nucleotide position 941. The tyrosine at codon 314 is replaced by cysteine, an amino acid with highly dissimilar properties. This amino acid position is highly conserved in available vertebrate species. In addition, this alteration is predicted to be deleterious by in silico analysis. Based on the available evidence, the clinical significance of this variant remains unclear.

NM_006767.4(LZTR1):c.941A>G (p.Tyr314Cys)

Gene: LZTR1 (leucine zipper like post translational regulator 1; plus strand). Cytogenetic location: 22q11.21.
Variant type: single nucleotide variant.
Coding change: c.941A>G on transcript NM_006767.4 (MANE Select); coding-DNA position 941, A replaced by G.
Protein change: p.Tyr314Cys; replaces tyrosine 314 with cysteine.
Molecular consequence: missense variant.
Genome position (GRCh38, 1-based): chr22:20,991,777, A>G. VCF-style: chr22-20991777-A-G. GRCh37 (hg19) VCF-style: chr22-21346066-A-G.
Other names: short protein forms Y314C.
Identifiers: ClinVar variation 3541526 (VCV003541526.3).